The following is an entry in ClinVar:

ClinVar aggregate classification (germline): Uncertain significance (1 of 4 stars; one submission).

Conditions:
Duchenne muscular dystrophy (DMD). Also called: MUSCULAR DYSTROPHY, PSEUDOHYPERTROPHIC PROGRESSIVE, DUCHENNE TYPE; Duchenne Muscular Dystrophy (DMD). Identifiers: Orphanet 98896, MedGen C0013264, MONDO:0010679, OMIM 310200.

Allele frequency attached by ClinVar (database versions not stated): gnomAD exomes below 0.00001.
gnomAD v4.1: 1 of 1,210,875 alleles (0.000083%); highest among the groups gnomAD compares: Non-Finnish European, 0.00011%; no homozygotes.

Submission:

Labcorp Genetics (formerly Invitae), Labcorp
Classification: Uncertain significance for Duchenne muscular dystrophy. Last evaluated: 2021-06-15. Review status: criteria provided, single submitter. Criteria: Invitae Variant Classification Sherloc (09022015). Collection method: clinical testing. Allele origin: germline.
Comment: In summary, the available evidence is currently insufficient to determine the role of this variant in disease. Therefore, it has been classified as a Variant of Uncertain Significance. Algorithms developed to predict the effect of missense changes on protein structure and function output the following: SIFT: "Tolerated"; PolyPhen-2: "Possibly Damaging"; Align-GVGD: "Class C0". The isoleucine amino acid residue is found in multiple mammalian species, suggesting that this missense change does not adversely affect protein function. These predictions have not been confirmed by published functional studies and their clinical significance is uncertain. This variant has not been reported in the literature in individuals with DMD-related conditions. This variant is not present in population databases (ExAC no frequency). This sequence change replaces threonine with isoleucine at codon 1632 of the DMD protein (p.Thr1632Ile). The threonine residue is moderately conserved and there is a moderate physicochemical difference between threonine and isoleucine.

NM_004006.3(DMD):c.4895C>T (p.Thr1632Ile)

Gene: DMD (dystrophin; minus strand). Cytogenetic location: Xp21.1.
Variant type: single nucleotide variant.
Coding change: c.4895C>T on transcript NM_004006.3 (MANE Select); coding-DNA position 4895, C replaced by T.
Protein change: p.Thr1632Ile; replaces threonine 1632 with isoleucine.
Molecular consequence: missense variant.
Genome position (GRCh38, 1-based): chrX:32,365,150, G>A on the plus strand (C>T on the coding strand, the complement: DMD is on the minus strand). VCF-style: chrX-32365150-G-A. GRCh37 (hg19) VCF-style: chrX-32383267-G-A.
Other names: c.4871C>T, p.Thr1624Ile (NM_000109.4); c.4883C>T, p.Thr1628Ile (NM_004009.3); c.4526C>T, p.Thr1509Ile (NM_004010.3); c.872C>T, p.Thr291Ile (NM_004011.4); c.863C>T, p.Thr288Ile (NM_004012.4); short protein forms T1628I, T1624I, T1632I, T288I, T1509I, T291I.
Identifiers: ClinVar variation 1429878 (VCV001429878.8), dbSNP rs2147260815, ClinGen allele CA412672335.
Genomic context (GRCh38, chrX:32,365,150, plus strand): 5'-TTATCTTCCACCAACGTCTCCTTCTTGCCCAAAACTGTTTTCAAGGCCTCTCCTACCTCT[G>A]TGATACTCTTCAGGTGCACCTTCTGTTTCTCAATCTCTTTTTGAGTAGCCTGTGAAAAGG-3'
Protein context (NP_003997.2, residues 1622-1642): EKQKVHLKSI[Thr1632Ile]EVGEALKTVL